The following is an entry in ClinVar:

NM_007194.4(CHEK2):c.1200del (p.Thr401fs)

Gene: CHEK2 (checkpoint kinase 2; minus strand). Cytogenetic location: 22q12.1.
Variant type: Deletion.
Coding change: c.1200del on transcript NM_007194.4 (MANE Select); coding-DNA position 1200, one base deleted (G; older notation c.1200delG).
Protein change: p.Thr401fs; shifts the reading frame from threonine 401.
Molecular consequence: frameshift variant.
Genome position (GRCh38, 1-based): chr22:28,695,769, C deleted on the plus strand (G on the coding strand, the reverse complement: CHEK2 is on the minus strand); the first of 3 consecutive C bases (chr22:28,695,769-28,695,771); deleting any one gives the same sequence. VCF-style (leftmost placement, unchanged base first): chr22-28695768-TC-T. GRCh37 (hg19) VCF-style: chr22-29091756-TC-T.
Other names: c.1327delG, p.Thr444Leufs (NM_001005735.3); c.535delG, p.Thr180Leufs (NM_001257387.3); c.997delG, p.Thr334Leufs (NM_001349956.3); c.1111delG, p.Thr372Leufs (NM_145862.3); short protein forms T401fs, T444fs, T372fs, T180fs, T334fs.
Identifiers: ClinVar variation 2566540 (VCV002566540.2), dbSNP rs2517805940, ClinGen allele CA2580615274.

ClinVar aggregate classification (germline): Pathogenic (1 of 4 stars; one submission).

Conditions:
Hereditary cancer-predisposing syndrome. Also called: Neoplastic Syndromes, Hereditary; Hereditary Cancer Syndrome; Hereditary neoplastic syndrome; Tumor predisposition. Identifiers: Orphanet 140162, MedGen C0027672, MeSH D009386, MONDO:0015356.

Submission:

Ambry Genetics
Classification: Pathogenic for Hereditary cancer-predisposing syndrome. Last evaluated: 2023-05-13. Review status: criteria provided, single submitter. Criteria: Ambry Variant Classification Scheme 2023. Collection method: clinical testing. Allele origin: germline.
Comment: The c.1200delG variant, located in coding exon 10 of the CHEK2 gene, results from a deletion of one nucleotide at nucleotide position 1200, causing a translational frameshift with a predicted alternate stop codon (p.T401Lfs*13). This alteration is expected to result in loss of function by premature protein truncation or nonsense-mediated mRNA decay. As such, this alteration is interpreted as a disease-causing mutation.